The following is an entry in ClinVar:

NM_000057.4(BLM):c.3551A>T (p.Asn1184Ile)

Gene: BLM (BLM RecQ like helicase; plus strand). Cytogenetic location: 15q26.1.
Variant type: single nucleotide variant.
Coding change: c.3551A>T on transcript NM_000057.4 (MANE Select); coding-DNA position 3551, A replaced by T.
Protein change: p.Asn1184Ile; replaces asparagine 1184 with isoleucine.
Molecular consequence: missense variant. On other transcripts: intron variant (1).
Genome position (GRCh38, 1-based): chr15:90,803,713, A>T. VCF-style: chr15-90803713-A-T. GRCh37 (hg19) VCF-style: chr15-91346943-A-T.
Other names: c.3551A>T, p.Asn1184Ile (NM_001287246.2); c.2426A>T, p.Asn809Ile (NM_001287248.2); c.3358+5376A>T (NM_001287247.2); short protein forms N1184I, N809I.
Identifiers: ClinVar variation 1732600 (VCV001732600.2), dbSNP rs1596267777, ClinGen allele CA393847846.

ClinVar aggregate classification (germline): Uncertain significance (1 of 4 stars; one submission).

Conditions:
Hereditary cancer-predisposing syndrome. Also called: Neoplastic Syndromes, Hereditary; Tumor predisposition; Hereditary Cancer Syndrome; Hereditary neoplastic syndrome. Identifiers: Orphanet 140162, MedGen C0027672, MeSH D009386, MONDO:0015356.

Submission:

Ambry Genetics
Classification: Uncertain significance for Hereditary cancer-predisposing syndrome. Last evaluated: 2021-01-25. Review status: criteria provided, single submitter. Criteria: Ambry Variant Classification Scheme 2023. Collection method: clinical testing. Allele origin: germline.
Comment: The p.N1184I variant (also known as c.3551A>T), located in coding exon 17 of the BLM gene, results from an A to T substitution at nucleotide position 3551. The asparagine at codon 1184 is replaced by isoleucine, an amino acid with dissimilar properties. This amino acid position is poorly conserved in available vertebrate species. In addition, this alteration is predicted to be tolerated by in silico analysis. Since supporting evidence is limited at this time, the clinical significance of this alteration remains unclear.